The following is an entry in ClinVar:

NM_001845.6(COL4A1):c.633C>T (p.Pro211=)

Gene: COL4A1 (collagen type IV alpha 1 chain; minus strand). Cytogenetic location: 13q34.
Variant type: single nucleotide variant.
Coding change: c.633C>T on transcript NM_001845.6 (MANE Select); coding-DNA position 633, C replaced by T.
Protein change: p.Pro211=; no amino-acid change (proline 211 retained).
Molecular consequence: synonymous variant.
Genome position (GRCh38, 1-based): chr13:110,209,410, G>A on the plus strand (C>T on the coding strand, the complement: COL4A1 is on the minus strand). VCF-style: chr13-110209410-G-A. GRCh37 (hg19) VCF-style: chr13-110861757-G-A.
Other names: p.Pro211=; c.633C>T, p.Pro211= (NM_001303110.2).
Identifiers: ClinVar variation 707250 (VCV000707250.43), dbSNP rs144773264, ClinGen allele CA7048381.

ClinVar aggregate classification (germline): Benign/Likely benign. Review status: criteria provided, multiple submitters, no conflicts (2 of 4 stars). 7 submissions from 6 submitters: Benign (4); Likely benign (3). Last evaluated 2026-01-07.

Conditions:
Autosomal dominant familial hematuria-retinal arteriolar tortuosity-contractures syndrome. Also called: Hereditary Angiopathy with Nephropathy, Aneurysms, and Muscle Cramps (HANAC) Syndrome; Angiopathy, hereditary, with nephropathy, aneurysms, and muscle cramps. Identifiers: Orphanet 73229, MedGen C2673195, MONDO:0012726, OMIM 611773.
Brain small vessel disease 1 with or without ocular anomalies (BSVD1). Also called: PORENCEPHALY, TYPE 1, AUTOSOMAL DOMINANT; BRAIN SMALL VESSEL DISEASE WITH HEMORRHAGE; GOULD SYNDROME 1; Brain small vessel disease with or without ocular anomalies. Identifiers: Orphanet 2940, Orphanet 36383, Orphanet 99810, MedGen C4755307, MONDO:0008289, OMIM 175780.

Allele frequency attached by ClinVar (database versions not stated): gnomAD exomes 0.00017 and 0.00024; ExAC 0.00029; gnomAD 0.00041; TOPMed 0.00041; ESP Exome Variant Server 0.00046; 1000 Genomes Project 30x 0.00109; 1000 Genomes Project 0.00140.
gnomAD v4.1: 330 of 1,610,458 alleles (0.02%); highest among the groups gnomAD compares: Middle Eastern, 0.25%; 4 homozygotes.

Submissions (7):

Labcorp Genetics (formerly Invitae), Labcorp
Classification: Benign. Last evaluated: 2026-01-07. Review status: criteria provided, single submitter. Criteria: Invitae Variant Classification Sherloc (09022015). Collection method: clinical testing. Allele origin: germline.

CeGaT Center for Human Genetics Tuebingen
Classification: Likely benign. Last evaluated: 2025-12-01. Review status: criteria provided, single submitter. Criteria: CeGaT Center For Human Genetics Tuebingen Variant Classification Criteria Version 2. Collection method: clinical testing. Allele origin: germline. Affected: yes. Observed: 4 variant alleles.
Comment: COL4A1: BP4, BP7, BS1

Mayo Clinic Laboratories, Mayo Clinic
Classification: Benign. Last evaluated: 2024-11-11. Review status: criteria provided, single submitter. Criteria: ACMG Guidelines, 2015. Collection method: clinical testing. Allele origin: germline. Observed: 6 variant alleles.
Comment: BS1, BS2, BP4, BP7

Blueprint Genetics
Classification: Likely benign. Last evaluated: 2024-10-02. Review status: criteria provided, single submitter. Criteria: ACMG Guidelines, 2015. Collection method: clinical testing. Allele origin: germline.

GeneDx
Classification: Likely benign. Last evaluated: 2021-04-20. Review status: criteria provided, single submitter. Criteria: GeneDx Variant Classification Process June 2021. Collection method: clinical testing. Allele origin: germline. Affected: yes.

Illumina Laboratory Services, Illumina
Classification: Benign for Brain small vessel disease 1 with or without ocular anomalies. Last evaluated: 2018-01-13. Review status: criteria provided, single submitter. Criteria: ICSL Variant Classification Criteria 13 December 2019. Collection method: clinical testing. Allele origin: germline.
Comment: This variant was observed in the ICSL laboratory as part of a predisposition screen in an ostensibly healthy population. It had not been previously curated by ICSL or reported in the Human Gene Mutation Database (HGMD: prior to June 1st, 2018), and was therefore a candidate for classification through an automated scoring system. Utilizing variant allele frequency, disease prevalence and penetrance estimates, and inheritance mode, an automated score was calculated to assess if this variant is too frequent to cause the disease. Based on the score and internal cut-off values, a variant classified as benign is not then subjected to further curation. The score for this variant resulted in a classification of benign for this disease.

Illumina Laboratory Services, Illumina
Classification: Benign for Autosomal dominant familial hematuria-retinal arteriolar tortuosity-contractures syndrome. Last evaluated: 2018-01-13. Review status: criteria provided, single submitter. Criteria: ICSL Variant Classification Criteria 13 December 2019. Collection method: clinical testing. Allele origin: germline.
Comment: the same text as in the submission from Illumina Laboratory Services, Illumina above.